The following is an entry in ClinVar:

ClinVar aggregate classification (germline): Uncertain significance (1 of 4 stars; one submission).

Conditions:
Brachyolmia-amelogenesis imperfecta syndrome. Also called: PLATYSPONDYLY WITH AMELOGENESIS IMPERFECTA; Tooth agenesis, selective, 6; Dental anomalies and short stature. Identifiers: Orphanet 2899, MedGen C1832594, MONDO:0011018, OMIM 601216. Disease mechanism: loss of function.

Submission:

Labcorp Genetics (formerly Invitae), Labcorp
Classification: Uncertain significance for Brachyolmia-amelogenesis imperfecta syndrome. Last evaluated: 2024-06-23. Review status: criteria provided, single submitter. Criteria: Invitae Variant Classification Sherloc (09022015). Collection method: clinical testing. Allele origin: germline.
Comment: This sequence change falls in intron 4 of the LTBP3 gene. It does not directly change the encoded amino acid sequence of the LTBP3 protein. This variant is not present in population databases (gnomAD no frequency). This variant has not been reported in the literature in individuals affected with LTBP3-related conditions. Algorithms developed to predict the effect of sequence changes on RNA splicing suggest that this variant may disrupt the consensus splice site. In summary, the available evidence is currently insufficient to determine the role of this variant in disease. Therefore, it has been classified as a Variant of Uncertain Significance.

NM_001130144.3(LTBP3):c.971-12CT[3]

Gene: LTBP3 (latent transforming growth factor beta binding protein 3; minus strand). Cytogenetic location: 11q13.1.
Variant type: Microsatellite.
Coding change: c.971-12CT[3] on transcript NM_001130144.3 (MANE Select); three copies in a row of the 2-base unit CT starting at c.971-12; the reference has four copies in a row; one copy, 2 bases deleted.
Molecular consequence: intron variant.
Genome position (GRCh38, 1-based): chr11:65,553,261-65,553,262, AG deleted on the plus strand (CT on the coding strand, the reverse complement: LTBP3 is on the minus strand); deleting any 2 consecutive bases within chr11:65,553,261-65,553,268 gives the same sequence; the position shown is the placement nearest the transcript's 3' end. VCF-style (leftmost placement, unchanged base first): chr11-65553260-CAG-C. GRCh37 (hg19) VCF-style: chr11-65320731-CAG-C.
Other names: c.620-12CT[3] (NM_001164266.1); c.971-12CT[3] (NM_021070.4).
Identifiers: ClinVar variation 3698008 (VCV003698008.2).
Genomic context (GRCh38, chr11:65,553,260, plus strand): 5'-GGGGACAGTCAGCGCCCACTTCCCCACGTACAGGCCCTGGCTTCTGCACTCCTGTGTCTG[CAG>C]AGAGAGGATAGCTTGGCAGGGGAGGGTGAGGAGGGAACTGGGGAGGGGCACAGCAGATGT-3'